The following is an entry in ClinVar:

ClinVar aggregate classification (germline): Uncertain significance (1 of 4 stars; one submission).

Submission:

GeneDx
Classification: Uncertain significance. Last evaluated: 2024-10-24. Review status: criteria provided, single submitter. Criteria: GeneDx Variant Classification Process June 2021. Collection method: clinical testing. Allele origin: germline. Affected: yes.
Comment: Not observed at significant frequency in large population cohorts (gnomAD); In-frame duplication of 6 amino acids in a non-repeat region; Has not been previously published as pathogenic or benign to our knowledge

NM_004187.5(KDM5C):c.1702_1719dup (p.Pro573_Asn574insValThrLeuMetAsnPro)

Gene: KDM5C (lysine demethylase 5C; minus strand). Cytogenetic location: Xp11.22.
Variant type: Duplication.
Coding change: c.1702_1719dup on transcript NM_004187.5 (MANE Select); coding-DNA positions 1702 to 1719, 18 bases duplicated (GTCACCCTCATGAATCCC).
Protein change: p.Pro573_Asn574insValThrLeuMetAsnPro.
Molecular consequence: inframe insertion. On other transcripts: non-coding transcript variant (3).
Genome position (GRCh38, 1-based): chrX:53,210,441-53,210,458, GGGATTCATGAGGGTGAC duplicated on the plus strand (GTCACCCTCATGAATCCC on the coding strand, the reverse complement: KDM5C is on the minus strand). VCF-style (leftmost placement, unchanged base first): chrX-53210440-T-TGGGATTCATGAGGGTGAC. GRCh37 (hg19) VCF-style: chrX-53239622-T-TGGGATTCATGAGGGTGAC.
Other names: c.1501_1518dup, p.Pro506_Asn507insValThrLeuMetAsnPro (NM_001146702.2); c.1699_1716dup, p.Pro572_Asn573insValThrLeuMetAsnPro (NM_001282622.3, NM_001353979.2, NM_001353982.2); c.1702_1719dup, p.Pro573_Asn574insValThrLeuMetAsnPro (NM_001353978.3, NM_001353981.2, NM_001353984.2).
Identifiers: ClinVar variation 2571685 (VCV002571685.3), dbSNP rs2519506292, ClinGen allele CA2580617053.